The following is an entry in ClinVar:

NM_001104631.2(PDE4D):c.19A>G (p.Ser7Gly)

Gene: PDE4D (phosphodiesterase 4D; minus strand). Cytogenetic location: 5q12.1.
Variant type: single nucleotide variant.
Coding change: c.19A>G on transcript NM_001104631.2 (MANE Select); coding-DNA position 19, A replaced by G.
Protein change: p.Ser7Gly; replaces serine 7 with glycine.
Molecular consequence: missense variant. On other transcripts: intron variant (5).
Genome position (GRCh38, 1-based): chr5:59,893,604, T>C on the plus strand (A>G on the coding strand, the complement: PDE4D is on the minus strand). VCF-style: chr5-59893604-T-C. GRCh37 (hg19) VCF-style: chr5-59189431-T-C.
Other names: c.272+94884A>G (NM_001364599.1, NM_001165899.2, NM_001364600.2); c.-240+94884A>G (NM_001349243.2); c.242+94884A>G (NM_001349241.2); short protein forms S7G.
Identifiers: ClinVar variation 4728116 (VCV004728116.1).

ClinVar aggregate classification (germline): Uncertain significance (1 of 4 stars; one submission).

gnomAD v4.1: 1 of 1,514,050 alleles (0.000066%); highest among the groups gnomAD compares: Admixed American, 0.0021%; no homozygotes.

Submission:

Labcorp Genetics (formerly Invitae), Labcorp
Classification: Uncertain significance. Last evaluated: 2025-11-13. Review status: criteria provided, single submitter. Criteria: Invitae Variant Classification Sherloc (09022015). Collection method: clinical testing. Allele origin: germline.
Comment: This sequence change replaces serine, which is neutral and polar, with glycine, which is neutral and non-polar, at codon 7 of the PDE4D protein (p.Ser7Gly). This variant is not present in population databases (gnomAD no frequency). This variant has not been reported in the literature in individuals affected with PDE4D-related conditions. Experimental studies and prediction algorithms are not available or were not evaluated, and the functional significance of this variant is currently unknown. In summary, the available evidence is currently insufficient to determine the role of this variant in disease. Therefore, it has been classified as a Variant of Uncertain Significance.